The following is an entry in ClinVar:

ClinVar aggregate classification (germline): Likely pathogenic (0 of 4 stars; one submission).

Conditions:
Pyruvate dehydrogenase E1-alpha deficiency (PDHAD). Also called: ATAXIA, INTERMITTENT, WITH PYRUVATE DEHYDROGENASE DEFICIENCY; ATAXIA WITH LACTIC ACIDOSIS I; ATAXIA, INTERMITTENT, WITH ABNORMAL PYRUVATE METABOLISM; Ataxia, intermittent, with pyruvate dehydrogenase, or decarboxylase, deficiency. Identifiers: Orphanet 79243, MedGen C1839413, MONDO:0010717, OMIM 312170.

Submission:

PDHA1 Study Group, University Children’s Hospital, Paracelsus Medical University
Classification: Likely pathogenic for Pyruvate dehydrogenase E1-alpha deficiency. Last evaluated: 2024-10-15. Review status: no assertion criteria provided. Collection method: research. Allele origin: germline. Affected: yes. Observed: 1 variant allele.
Comment: The NM_000284.3:c.1162T>C (p.Ser388Pro) substitution is a missense variant in PDHA1 gene. Last literature search: July 12, 2024. This variant is absent or extremely rare in population-based cohorts in the Genome Aggregation Database (gnomAD). Individuals harboring this variant presented with clinical features compatible with PDHA1-related PDHc deficiency. In summary, this variant meets criteria to be classified as pathogenic (P) for PDHA1-related PDHc deficiency based on the ACMG/AMP criteria applied: PVS1, PS2, PM2, PM7 (last assessment October 15, 2024).

Literature cited by the submitters: DOI 10.1093/brain/awaf430.

NM_000284.4(PDHA1):c.1162T>C (p.Ser388Pro)

Gene: PDHA1 (pyruvate dehydrogenase E1 subunit alpha 1; plus strand). Cytogenetic location: Xp22.12.
Variant type: single nucleotide variant.
Coding change: c.1162T>C on transcript NM_000284.4 (MANE Select); coding-DNA position 1162, T replaced by C.
Protein change: p.Ser388Pro; replaces serine 388 with proline.
Molecular consequence: missense variant.
Genome position (GRCh38, 1-based): chrX:19,359,642, T>C. VCF-style: chrX-19359642-T-C. GRCh37 (hg19) VCF-style: chrX-19377760-T-C.
Other names: c.1276T>C, p.Ser426Pro (NM_001173454.2); c.1183T>C, p.Ser395Pro (NM_001173455.2); c.1069T>C, p.Ser357Pro (NM_001173456.2); short protein forms S357P, S388P, S395P, S426P.
Identifiers: ClinVar variation 4070480 (VCV004070480.1).